The following is an entry in ClinVar:

NM_152424.4(AMER1):c.28C>G (p.Gln10Glu)

Gene: AMER1 (APC membrane recruitment protein 1; minus strand). Cytogenetic location: Xq11.2.
Variant type: single nucleotide variant.
Coding change: c.28C>G on transcript NM_152424.4 (MANE Select); coding-DNA position 28, C replaced by G.
Protein change: p.Gln10Glu; replaces glutamine 10 with glutamic acid.
Molecular consequence: missense variant.
Genome position (GRCh38, 1-based): chrX:64,193,259, G>C on the plus strand (C>G on the coding strand, the complement: AMER1 is on the minus strand). VCF-style: chrX-64193259-G-C. GRCh37 (hg19) VCF-style: chrX-63413139-G-C.
Other names: short protein forms Q10E.
Identifiers: ClinVar variation 3674662 (VCV003674662.2).

ClinVar aggregate classification (germline): Uncertain significance (1 of 4 stars; one submission).

Submission:

Labcorp Genetics (formerly Invitae), Labcorp
Classification: Uncertain significance. Last evaluated: 2024-07-23. Review status: criteria provided, single submitter. Criteria: Invitae Variant Classification Sherloc (09022015). Collection method: clinical testing. Allele origin: germline.
Comment: This sequence change replaces glutamine, which is neutral and polar, with glutamic acid, which is acidic and polar, at codon 10 of the AMER1 protein (p.Gln10Glu). This variant is not present in population databases (gnomAD no frequency). This variant has not been reported in the literature in individuals affected with AMER1-related conditions. An algorithm developed to predict the effect of missense changes on protein structure and function (PolyPhen-2) suggests that this variant is likely to be tolerated. In summary, the available evidence is currently insufficient to determine the role of this variant in disease. Therefore, it has been classified as a Variant of Uncertain Significance.